The following is an entry in ClinVar:

ClinVar aggregate classification (germline): Benign. Review status: criteria provided, multiple submitters, no conflicts (2 of 4 stars). 5 submissions from 5 submitters: Benign (5). Last evaluated 2026-02-01.

Allele frequency attached by ClinVar (database versions not stated): 1000 Genomes Project 0.01198; 1000 Genomes Project 30x 0.01234; TOPMed 0.02391; gnomAD exomes 0.02609 and 0.03509; ExAC 0.02687; gnomAD 0.02726 and 0.02838; ESP Exome Variant Server 0.03069.
gnomAD v4.1: 54,967 of 1,613,558 alleles (3.4%); highest among the groups gnomAD compares: Non-Finnish European, 4%; 1,106 homozygotes.

Submissions (5):

Labcorp Genetics (formerly Invitae), Labcorp
Classification: Benign. Last evaluated: 2026-02-01. Review status: criteria provided, single submitter. Criteria: Invitae Variant Classification Sherloc (09022015). Collection method: clinical testing. Allele origin: germline.

Mayo Clinic Laboratories, Mayo Clinic
Classification: Benign. Last evaluated: 2020-06-26. Review status: criteria provided, single submitter. Criteria: ACMG Guidelines, 2015. Collection method: clinical testing. Allele origin: germline. Observed: 9 variant alleles.

Athena Diagnostics
Classification: Benign. Last evaluated: 2018-08-31. Review status: criteria provided, single submitter. Criteria: Athena Diagnostics Criteria. Collection method: clinical testing. Allele origin: germline.

GeneDx
Classification: Benign. Last evaluated: 2017-10-26. Review status: criteria provided, single submitter. Criteria: GeneDx Variant Classification (06012015). Collection method: clinical testing. Allele origin: germline. Affected: yes.
Comment: This variant is considered likely benign or benign based on one or more of the following criteria: it is a conservative change, it occurs at a poorly conserved position in the protein, it is predicted to be benign by multiple in silico algorithms, and/or has population frequency not consistent with disease.

Breakthrough Genomics
Classification: Benign. Review status: criteria provided, single submitter. Criteria: ACMG Guidelines, 2015. Collection method: not provided. Allele origin: germline. Inheritance: Autosomal dominant inheritance. Affected: yes.

Literature cited by the submitters: PubMed 23447461 (cited by Athena Diagnostics).

NM_001042517.2(DIAPH3):c.1763C>T (p.Pro588Leu)

Gene: DIAPH3 (diaphanous related formin 3; minus strand). Cytogenetic location: 13q21.2.
Variant type: single nucleotide variant.
Coding change: c.1763C>T on transcript NM_001042517.2 (MANE Select); coding-DNA position 1763, C replaced by T.
Protein change: p.Pro588Leu; replaces proline 588 with leucine.
Molecular consequence: missense variant.
Genome position (GRCh38, 1-based): chr13:59,971,048, G>A on the plus strand (C>T on the coding strand, the complement: DIAPH3 is on the minus strand). VCF-style: chr13-59971048-G-A. GRCh37 (hg19) VCF-style: chr13-60545182-G-A.
Other names: p.Pro588Leu; c.1730C>T, p.Pro577Leu (NM_001258366.2); c.1625C>T, p.Pro542Leu (NM_001258367.2); c.1553C>T, p.Pro518Leu (NM_001258368.2); c.1763C>T, p.Pro588Leu (NM_001258369.2); c.974C>T, p.Pro325Leu (NM_001258370.2, NM_030932.4); short protein forms P588L, P325L, P577L, P518L, P542L.
Identifiers: ClinVar variation 508609 (VCV000508609.12), dbSNP rs111260336, ClinGen allele CA6996586.
Genomic context (GRCh38, chr13:59,971,048, plus strand): 5'-CCACTGAATGGCATCCGCATTCCTGGAAGTGGAGGAGGTGGTGGGGGAGGAGGTGGAGGC[G>A]GCACCCCTCCACCAGAAGGCAGTGGAGGCGGAGGAGGAAGTGCTGAGTGGCCAGTTCCAC-3'
Protein context (NP_001035982.1, residues 578-598): PPPLPSGGGV[Pro588Leu]PPPPPPPPPP